The following is an entry in ClinVar:

NM_130837.3(OPA1):c.2809C>T (p.Arg937Cys)

Gene: OPA1 (OPA1 mitochondrial dynamin like GTPase; plus strand). Cytogenetic location: 3q29.
Variant type: single nucleotide variant.
Coding change: c.2809C>T on transcript NM_130837.3 (MANE Select); coding-DNA position 2809, C replaced by T.
Protein change: p.Arg937Cys; replaces arginine 937 with cysteine.
Molecular consequence: missense variant.
Genome position (GRCh38, 1-based): chr3:193,666,326, C>T. VCF-style: chr3-193666326-C-T. GRCh37 (hg19) VCF-style: chr3-193384115-C-T.
Other names: c.2275C>T, p.Arg759Cys (NM_001354663.2); c.2272C>T, p.Arg758Cys (NM_001354664.2); c.2644C>T, p.Arg882Cys (NM_015560.3); c.2536C>T, p.Arg846Cys (NM_130831.3); c.2590C>T, p.Arg864Cys (NM_130832.3); c.2647C>T, p.Arg883Cys (NM_130833.3); c.2698C>T, p.Arg900Cys (NM_130834.3); c.2701C>T, p.Arg901Cys (NM_130835.3); and 1 more; short protein forms R846C, R900C, R882C, R937C, R758C, R759C, R864C, R883C.
Identifiers: ClinVar variation 2734623 (VCV002734623.5), dbSNP rs368227232, ClinGen allele CA2759754.

ClinVar aggregate classification (germline): Uncertain significance. Review status: criteria provided, multiple submitters, no conflicts (2 of 4 stars). 3 submissions from 3 submitters: Uncertain significance (3). Last evaluated 2026-05-07.

Conditions:
OPA1-related disorder. Also called: OPA1-related disorders; OPA1-related condition.

Allele frequency attached by ClinVar (database versions not stated): gnomAD 0.00001; gnomAD exomes 0.00001; TOPMed 0.00001; ExAC 0.00002; ESP Exome Variant Server 0.00008.
gnomAD v4.1: 10 of 1,613,912 alleles (0.00062%); highest among the groups gnomAD compares: Admixed American, 0.0033%; no homozygotes.

Submissions (3):

PreventionGenetics, part of Exact Sciences
Classification: Uncertain significance for OPA1-related condition. Last evaluated: 2026-05-07. Review status: criteria provided, single submitter. Criteria: ACMG Guidelines, 2015. Collection method: clinical testing. Allele origin: germline.
Comment: The OPA1 c.2809C>T variant is predicted to result in the amino acid substitution p.Arg937Cys. This variant was reported in the compound heterozygous state to variant affecting splicing in a patient with Behr syndrome (Rubegni et al. 2017. PubMed ID: 28442211). This variant is reported in 0.0029% of alleles in individuals of Latino descent in gnomAD. Although we suspect that this variant may be pathogenic, at this time, the clinical significance of this variant is uncertain due to the absence of conclusive functional and genetic evidence.

Labcorp Genetics (formerly Invitae), Labcorp
Classification: Uncertain significance. Last evaluated: 2025-02-24. Review status: criteria provided, single submitter. Criteria: Invitae Variant Classification Sherloc (09022015). Collection method: clinical testing. Allele origin: germline.
Comment: This sequence change replaces arginine, which is basic and polar, with cysteine, which is neutral and slightly polar, at codon 882 of the OPA1 protein (p.Arg882Cys). This variant is present in population databases (rs368227232, gnomAD 0.003%). This missense change has been observed in individual(s) with clinical features of OPA1-related condition (PMID: 28442211). In at least one individual the data is consistent with being in trans (on the opposite chromosome) from a pathogenic variant. This variant is also known as c.2809C>T. ClinVar contains an entry for this variant (Variation ID: 2734623). Invitae Evidence Modeling of protein sequence and biophysical properties (such as structural, functional, and spatial information, amino acid conservation, physicochemical variation, residue mobility, and thermodynamic stability) indicates that this missense variant is expected to disrupt OPA1 protein function with a positive predictive value of 80%. Algorithms developed to predict the effect of sequence changes on RNA splicing suggest that this variant may disrupt the consensus splice site. In summary, the available evidence is currently insufficient to determine the role of this variant in disease. Therefore, it has been classified as a Variant of Uncertain Significance.

GeneDx
Classification: Uncertain significance. Last evaluated: 2025-01-24. Review status: criteria provided, single submitter. Criteria: GeneDx Variant Classification Process June 2021. Collection method: clinical testing. Allele origin: germline. Affected: yes.
Comment: Reported using alternative nomenclature (p.(R937C)) and observed with a second variant on the opposite allele (in trans) in a patient with cognitive delay, ataxic gait and optic atrophy in published literature (PMID: 28442211); Not observed at significant frequency in large population cohorts (gnomAD); In silico analysis supports that this missense variant has a deleterious effect on protein structure/function; In silico analysis suggests this variant may impact gene splicing. In the absence of RNA/functional studies, the actual effect of this sequence change is unknown.; Also known as c.2809C>T p.Arg937Cys.; This variant is associated with the following publications: (PMID: 28442211)

Literature cited by the submitters: PubMed 28442211 (cited by Labcorp Genetics (formerly Invitae), Labcorp).